The following is an entry in ClinVar:

ClinVar aggregate classification (germline): Uncertain significance (1 of 4 stars; one submission).

Submission:

Labcorp Genetics (formerly Invitae), Labcorp
Classification: Uncertain significance. Last evaluated: 2022-07-30. Review status: criteria provided, single submitter. Criteria: Invitae Variant Classification Sherloc (09022015). Collection method: clinical testing. Allele origin: germline.
Comment: This sequence change creates a premature translational stop signal (p.Gln468*) in the PAX1 gene. While this is not anticipated to result in nonsense mediated decay, it is expected to disrupt the last 67 amino acid(s) of the PAX1 protein. This variant is not present in population databases (gnomAD no frequency). This variant has not been reported in the literature in individuals affected with PAX1-related conditions. Experimental studies and prediction algorithms are not available or were not evaluated, and the functional significance of this variant is currently unknown. In summary, the available evidence is currently insufficient to determine the role of this variant in disease. Therefore, it has been classified as a Variant of Uncertain Significance.

NM_001257096.2(PAX1):c.*38C>T

Gene: PAX1 (paired box 1; plus strand). Cytogenetic location: 20p11.22.
Variant type: single nucleotide variant.
Coding change: c.*38C>T on transcript NM_001257096.2 (MANE Select); 38 bases downstream of the stop codon, C replaced by T.
Molecular consequence: 3 prime UTR variant. On other transcripts: nonsense (1).
Genome position (GRCh38, 1-based): chr20:21,714,600, C>T. VCF-style: chr20-21714600-C-T. GRCh37 (hg19) VCF-style: chr20-21695238-C-T.
Other names: c.1402C>T, p.Gln468Ter (NM_006192.5); short protein forms Q468*.
Identifiers: ClinVar variation 2020720 (VCV002020720.4), dbSNP rs969320063, ClinGen allele CA313028373.